The following is an entry in ClinVar:

ClinVar aggregate classification (germline): Uncertain significance (1 of 4 stars; one submission).

Submission:

Labcorp Genetics (formerly Invitae), Labcorp
Classification: Uncertain significance. Last evaluated: 2024-11-05. Review status: criteria provided, single submitter. Criteria: Invitae Variant Classification Sherloc (09022015). Collection method: clinical testing. Allele origin: germline.
Comment: This sequence change replaces methionine, which is neutral and non-polar, with valine, which is neutral and non-polar, at codon 370 of the GPR143 protein (p.Met370Val). This variant is not present in population databases (gnomAD no frequency). This variant has not been reported in the literature in individuals affected with GPR143-related conditions. Invitae Evidence Modeling of protein sequence and biophysical properties (such as structural, functional, and spatial information, amino acid conservation, physicochemical variation, residue mobility, and thermodynamic stability) indicates that this missense variant is not expected to disrupt GPR143 protein function with a negative predictive value of 95%. In summary, the available evidence is currently insufficient to determine the role of this variant in disease. Therefore, it has been classified as a Variant of Uncertain Significance.

NM_000273.3(GPR143):c.1108A>G (p.Met370Val)

Gene: GPR143 (G protein-coupled receptor 143; minus strand). Cytogenetic location: Xp22.2.
Variant type: single nucleotide variant.
Coding change: c.1108A>G on transcript NM_000273.3 (MANE Select); coding-DNA position 1108, A replaced by G.
Protein change: p.Met370Val; replaces methionine 370 with valine.
Molecular consequence: missense variant.
Genome position (GRCh38, 1-based): chrX:9,739,497, T>C on the plus strand (A>G on the coding strand, the complement: GPR143 is on the minus strand). VCF-style: chrX-9739497-T-C. GRCh37 (hg19) VCF-style: chrX-9707537-T-C.
Other names: short protein forms M370V.
Identifiers: ClinVar variation 3677195 (VCV003677195.2).